The following is an entry in ClinVar:

ClinVar aggregate classification (germline): Likely benign. Review status: criteria provided, multiple submitters, no conflicts (2 of 4 stars). 4 submissions from 4 submitters: Likely benign (4). Last evaluated 2024-10-07.

Conditions:
Familial thoracic aortic aneurysm and aortic dissection (TAAD). Also called: Thoracic aortic aneurysms and dissections. Identifiers: Orphanet 91387, MedGen C4707243, MONDO:0019625.
Ehlers-Danlos syndrome, type 4 (EDSVASC). Also called: Ehlers-Danlos syndrome vascular type; Ehlers Danlos syndrome, ecchymotic type; Ehlers Danlos syndrome, arterial type; Ehlers Danlos syndrome, Sack-Barabas type; Ehlers-Danlos Syndrome Type IV. Identifiers: Orphanet 286, MedGen C0268338, MONDO:0017314, OMIM 130050.

Allele frequency attached by ClinVar (database versions not stated): gnomAD 0.00001 and 0.00003; gnomAD exomes 0.00002 and 0.00004; TOPMed 0.00002; ExAC 0.00003.
gnomAD v4.1: 33 of 1,612,814 alleles (0.002%); highest among the groups gnomAD compares: East Asian, 0.074%; no homozygotes.

Submissions (4):

Labcorp Genetics (formerly Invitae), Labcorp
Classification: Likely benign for Ehlers-Danlos syndrome, type 4. Last evaluated: 2024-10-07. Review status: criteria provided, single submitter. Criteria: Invitae Variant Classification Sherloc (09022015). Collection method: clinical testing. Allele origin: germline.

Ambry Genetics
Classification: Likely benign for Familial thoracic aortic aneurysm and aortic dissection. Last evaluated: 2024-04-04. Review status: criteria provided, single submitter. Criteria: Ambry Variant Classification Scheme 2023. Collection method: clinical testing. Allele origin: germline.

All of Us Research Program, National Institutes of Health
Classification: Likely benign for Ehlers-Danlos syndrome, type 4. Last evaluated: 2023-10-02. Review status: criteria provided, single submitter. Criteria: ACMG Guidelines, 2015. Collection method: clinical testing. Allele origin: germline. Inheritance: Autosomal dominant inheritance. Observed: 1 variant allele, 1 heterozygote.
Comment: This study involves interpretation of variants in research participants for the purpose of population health screening. Participant phenotype was not available at the time of variant classification. Additional details can be found in publication PMID: 35346344, PMCID: PMC8962531

Color Diagnostics, LLC DBA Color Health
Classification: Likely benign for Familial thoracic aortic aneurysm and aortic dissection. Last evaluated: 2019-06-26. Review status: criteria provided, single submitter. Criteria: ACMG Guidelines, 2015. Collection method: clinical testing. Allele origin: germline.

NM_000090.4(COL3A1):c.84T>C (p.Val28=)

Gene: COL3A1 (collagen type III alpha 1 chain; plus strand). Cytogenetic location: 2q32.2.
Variant type: single nucleotide variant.
Coding change: c.84T>C on transcript NM_000090.4 (MANE Select); coding-DNA position 84, T replaced by C.
Protein change: p.Val28=; no amino-acid change (valine 28 retained).
Molecular consequence: synonymous variant.
Genome position (GRCh38, 1-based): chr2:188,984,764, T>C. VCF-style: chr2-188984764-T-C. GRCh37 (hg19) VCF-style: chr2-189849490-T-C.
Identifiers: ClinVar variation 699870 (VCV000699870.15), dbSNP rs752574994, ClinGen allele CA076981.